The following is an entry in ClinVar:

NM_000110.4(DPYD):c.484-4G>A

Gene: DPYD (dihydropyrimidine dehydrogenase; minus strand). Cytogenetic location: 1p21.3.
Variant type: single nucleotide variant.
Coding change: c.484-4G>A on transcript NM_000110.4 (MANE Select); 4 bases into the intron before coding-DNA position 484, G replaced by A.
Molecular consequence: intron variant.
Genome position (GRCh38, 1-based): chr1:97,699,551, C>T on the plus strand (G>A on the coding strand, the complement: DPYD is on the minus strand). VCF-style: chr1-97699551-C-T. GRCh37 (hg19) VCF-style: chr1-98165107-C-T.
Identifiers: ClinVar variation 2364828 (VCV002364828.4), dbSNP rs202011255, ClinGen allele CA963636.

ClinVar aggregate classification (germline): Conflicting classifications of pathogenicity. Review status: criteria provided, conflicting classifications (1 of 4 stars). 3 submissions from 3 submitters: Uncertain significance (2); Likely benign (1). Last evaluated 2024-10-11.

Conditions:
Inborn genetic diseases. Identifiers: MedGen C0950123, MeSH D030342.

Allele frequency attached by ClinVar (database versions not stated): ExAC 0.00019; gnomAD 0.00021; ESP Exome Variant Server 0.00031.
gnomAD v4.1: 806 of 1,612,920 alleles (0.05%); highest among the groups gnomAD compares: Non-Finnish European, 0.063%; no homozygotes.

Submissions (3):

ARUP Laboratories, Molecular Genetics and Genomics, ARUP Laboratories
Classification: Likely benign. Last evaluated: 2024-10-11. Review status: criteria provided, single submitter. Criteria: ARUP Molecular Germline Variant Investigation Process 2024. Collection method: clinical testing. Allele origin: germline.

Blueprint Genetics
Classification: Uncertain significance. Last evaluated: 2024-10-07. Review status: criteria provided, single submitter. Criteria: ACMG Guidelines, 2015. Collection method: clinical testing. Allele origin: germline.

Ambry Genetics
Classification: Uncertain significance for Inborn genetic diseases. Last evaluated: 2021-06-15. Review status: criteria provided, single submitter. Criteria: Ambry Variant Classification Scheme 2023. Collection method: clinical testing. Allele origin: germline.
Comment: The c.484-4G>A intronic alteration consists of a G to A substitution 4 nucleotides before exon 6 of the DPYD gene. Based on insufficient or conflicting evidence, the clinical significance of this alteration remains unclear.